The following is an entry in ClinVar:

NM_001368894.2(PAX6):c.635A>G (p.Asp212Gly)

Gene: PAX6 (paired box 6; minus strand). Cytogenetic location: 11p13.
Variant type: single nucleotide variant.
Coding change: c.635A>G on transcript NM_001368894.2 (MANE Select); coding-DNA position 635, A replaced by G.
Protein change: p.Asp212Gly; replaces aspartic acid 212 with glycine.
Molecular consequence: missense variant. On other transcripts: 5 prime UTR variant (1), non-coding transcript variant (2).
Genome position (GRCh38, 1-based): chr11:31,794,719, T>C on the plus strand (A>G on the coding strand, the complement: PAX6 is on the minus strand). VCF-style: chr11-31794719-T-C. GRCh37 (hg19) VCF-style: chr11-31816267-T-C.
Other names: c.185A>G, p.Asp62Gly (NM_001368906.2, NM_001368907.2, NM_001368908.2 and 11 more transcripts); c.836A>G, p.Asp279Gly (NM_001368910.2); c.638A>G, p.Asp213Gly (NM_001368911.2); c.635A>G, p.Asp212Gly (NM_001368912.2, NM_001368913.2, NM_001368914.2 and 6 more transcripts); c.593A>G, p.Asp198Gly (NM_001368915.2, NM_001368916.2, NM_001368917.2 and 10 more transcripts); c.710A>G, p.Asp237Gly (NM_001368918.2, NM_001368919.2); c.668A>G, p.Asp223Gly (NM_001368920.2); c.434A>G, p.Asp145Gly (NM_001368921.2, NM_001368922.2, NM_001368923.2 and 4 more transcripts); and 2 more; short protein forms D131G, D213G, D223G, D145G, D198G, D212G, D237G, D279G.
Identifiers: ClinVar variation 4782547 (VCV004782547.1).

ClinVar aggregate classification (germline): Uncertain significance (1 of 4 stars; one submission).

Conditions:
Aniridia 1 (AN1). Identifiers: Orphanet 250923, MedGen C0344542, MONDO:0024507, OMIM 106210.
Irido-corneo-trabecular dysgenesis (ASGD5). Also called: ANTERIOR SEGMENT DYSGENESIS 5. Identifiers: Orphanet 708, MedGen C0344559, MONDO:0011414, OMIM 604229, HP:0000659.

Submission:

Labcorp Genetics (formerly Invitae), Labcorp
Classification: Uncertain significance for Aniridia 1; Irido-corneo-trabecular dysgenesis. Last evaluated: 2025-08-10. Review status: criteria provided, single submitter. Criteria: Invitae Variant Classification Sherloc (09022015). Collection method: clinical testing. Allele origin: germline.
Comment: This sequence change replaces aspartic acid, which is acidic and polar, with glycine, which is neutral and non-polar, at codon 198 of the PAX6 protein (p.Asp198Gly). This variant is not present in population databases (gnomAD no frequency). This variant has not been reported in the literature in individuals affected with PAX6-related conditions. Invitae Evidence Modeling of protein sequence and biophysical properties (such as structural, functional, and spatial information, amino acid conservation, physicochemical variation, residue mobility, and thermodynamic stability) indicates that this missense variant is not expected to disrupt PAX6 protein function with a negative predictive value of 80%. Algorithms developed to predict the effect of sequence changes on RNA splicing suggest that this variant may disrupt the consensus splice site. In summary, the available evidence is currently insufficient to determine the role of this variant in disease. Therefore, it has been classified as a Variant of Uncertain Significance.